The following is an entry in ClinVar:

NM_000785.4(CYP27B1):c.85G>T (p.Glu29Ter)

Gene: CYP27B1 (cytochrome P450 family 27 subfamily B member 1; minus strand). Cytogenetic location: 12q14.1.
Variant type: single nucleotide variant.
Coding change: c.85G>T on transcript NM_000785.4 (MANE Select); coding-DNA position 85, G replaced by T.
Protein change: p.Glu29Ter; replaces glutamic acid 29 with a stop codon.
Molecular consequence: nonsense.
Genome position (GRCh38, 1-based): chr12:57,766,957, C>A on the plus strand (G>T on the coding strand, the complement: CYP27B1 is on the minus strand). VCF-style: chr12-57766957-C-A. GRCh37 (hg19) VCF-style: chr12-58160740-C-A.
Other names: short protein forms E29*.
Identifiers: ClinVar variation 5004300 (VCV005004300.1).

ClinVar aggregate classification (germline): Pathogenic (1 of 4 stars; one submission).

Conditions:
Vitamin D-dependent rickets, type 1A. Also called: VITAMIN D HYDROXYLATION-DEFICIENT RICKETS, TYPE 1A; PDDR IA; PSEUDOVITAMIN D-DEFICIENCY RICKETS, TYPE IA. Identifiers: MedGen CN283242, MONDO:0020723, OMIM 264700.

Submission:

Myriad Genetics, Inc.
Classification: Pathogenic for Vitamin D-dependent rickets, type 1A. Last evaluated: 2025-11-26. Review status: criteria provided, single submitter. Criteria: Myriad Autosomal Dominant, Autosomal Recessive and X-Linked Classification Criteria (2023). Collection method: clinical testing. Allele origin: unknown.
Comment: NM_000785.3(CYP27B1):c.85G>T(E29*) is a nonsense variant classified as pathogenic in the context of vitamin D-dependent rickets, CYP27B1-related. E29* has been observed in a case with relevant disease (PMID: 30382318). Relevant functional assessments of this variant are not available in the literature. E29* has not been observed in referenced population frequency databases. In summary, NM_000785.3(CYP27B1):c.85G>T(E29*) is a nonsense variant in a gene where loss of function is a known mechanism of disease, is predicted to disrupt protein function, and has been observed more frequently in cases with the relevant disease than in healthy populations. Please note: this variant was assessed in the context of healthy population screening.

Literature cited by the submitters: PubMed 30382318.